The following is an entry in ClinVar:

ClinVar aggregate classification (germline): Pathogenic (1 of 4 stars; one submission).

Conditions:
Hereditary cancer-predisposing syndrome. Also called: Hereditary Cancer Syndrome; Hereditary neoplastic syndrome; Tumor predisposition; Neoplastic Syndromes, Hereditary. Identifiers: Orphanet 140162, MedGen C0027672, MeSH D009386, MONDO:0015356.

Submission:

Ambry Genetics
Classification: Pathogenic for Hereditary cancer-predisposing syndrome. Last evaluated: 2019-08-13. Review status: criteria provided, single submitter. Criteria: Ambry Variant Classification Scheme 2023. Collection method: clinical testing. Allele origin: germline.
Comment: The c.2527dupA pathogenic mutation, located in coding exon 4 of the MSH6 gene, results from a duplication of A at nucleotide position 2527, causing a translational frameshift with a predicted alternate stop codon (p.I843Nfs*4). This alteration is expected to result in loss of function by premature protein truncation or nonsense-mediated mRNA decay. As such, this alteration is interpreted as a disease-causing mutation.

NM_000179.3(MSH6):c.2527dup (p.Ile843fs)

Gene: MSH6 (mutS homolog 6; plus strand). Cytogenetic location: 2p16.3.
Variant type: Duplication.
Coding change: c.2527dup on transcript NM_000179.3 (MANE Select); coding-DNA position 2527, one base duplicated (A; older notation c.2527dupA).
Protein change: p.Ile843fs; shifts the reading frame from isoleucine 843.
Molecular consequence: frameshift variant.
Genome position (GRCh38, 1-based): chr2:47,800,510, A duplicated. VCF-style (leftmost placement, unchanged base first): chr2-47800509-T-TA. GRCh37 (hg19) VCF-style: chr2-48027648-T-TA.
Other names: c.2137dup, p.Ile713fs (NM_001281492.2); c.1621dup, p.Ile541fs (NM_001281493.2, NM_001281494.2); c.2623dup, p.Ile875Asnfs (NM_001406795.1, NM_001406802.1); c.2527dup, p.Ile843Asnfs (NM_001406796.1, NM_001406798.1, NM_001406800.1 and 2 more transcripts); c.2230dup, p.Ile744Asnfs (NM_001406797.1, NM_001406801.1, NM_001406805.1 and 10 more transcripts); c.2002dup, p.Ile668Asnfs (NM_001406799.1, NM_001406806.1, NM_001406807.1); c.2449dup, p.Ile817Asnfs (NM_001406804.1); c.1621dup, p.Ile541Asnfs (NM_001406811.1, NM_001406812.1, NM_001406814.1 and 4 more transcripts); and 3 more; short protein forms I541fs, I713fs, I843fs.
Identifiers: ClinVar variation 1792605 (VCV001792605.2), dbSNP rs2530677879, ClinGen allele CA2580067939.